The following is an entry in ClinVar:

ClinVar aggregate classification (germline): Conflicting classifications of pathogenicity. Review status: criteria provided, conflicting classifications (1 of 4 stars). 10 submissions from 10 submitters: Pathogenic (3); Likely pathogenic (2); Uncertain significance (2). 3 of the submissions do not count toward it. Last evaluated 2026-05-31.

Conditions:
TUBB1-related disorder. Also called: TUBB1-related condition.
Macrothrombocytopenia, isolated, 1, autosomal dominant (MACTHC1). Also called: Autosomal dominant macrothrombocytopenia TUBB1-related. Identifiers: Orphanet 140957, MedGen C5676892, MONDO:0800047, OMIM 613112.
Congenital hypothyroidism. Identifiers: Orphanet 442, MedGen C0010308, MONDO:0018612, HP:0000851.

Allele frequency attached by ClinVar (database versions not stated): ExAC 0.00002; gnomAD exomes 0.00003 and 0.00004; gnomAD 0.00005 and 0.00006; TOPMed 0.00005; ESP Exome Variant Server 0.00008.

Submissions (10):

PreventionGenetics, part of Exact Sciences
Classification: Likely pathogenic for TUBB1-related condition. Last evaluated: 2026-05-31. Review status: criteria provided, single submitter. Criteria: ACMG Guidelines, 2015. Collection method: clinical testing. Allele origin: germline.
Comment: The TUBB1 c.35delG variant is predicted to result in a frameshift and premature protein termination (p.Cys12Leufs*12). This variant has been reported in individuals with an inherited platelet disorder (Bastida et al. 2018. PubMed ID: 28983057; Palma-Barqueros et al. 2021. PubMed ID: 34516618), an individual with non-syndromic thrombocytopenia (Guéguen et al. 2020. PubMed ID: 32757236), a family with macrothrombocytopenia (Palma-Barqueros et al. 2021. PubMed ID: 34516618), and an individual with thyroid dysgenesis who inherited the variant from a parent with mild thyroid asymmetry but with normal thyroid function (Stoupa et al. 2018. PubMed ID: 30446499). A functional study noted that this variant reduces beta1 levels and is involved in thyroid function and organization (Palma-Barqueros et al. 2021. PubMed ID: 34516618). This variant is reported in 0.0062% of alleles in individuals of European (non-Finnish) descent in gnomAD. Although this variant has conflicting classifications in ClinVar ranging from uncertain to pathogenic (Variation ID: 586966); a multidisciplinary team classified the variant has having a high impact on protein function (Table S3, Stefanucci et al. 2023. PubMed ID: 37647632). Frameshift variants in TUBB1 are expected to be pathogenic. This variant is interpreted as likely pathogenic.

Labcorp Genetics (formerly Invitae), Labcorp
Classification: Uncertain significance. Last evaluated: 2025-10-09. Review status: criteria provided, single submitter. Criteria: Invitae Variant Classification Sherloc (09022015). Collection method: clinical testing. Allele origin: germline.
Comment: This sequence change creates a premature translational stop signal (p.Cys12Leufs*12) in the TUBB1 gene. It is expected to result in an absent or disrupted protein product. However, the current clinical and genetic evidence is not sufficient to establish whether loss-of-function variants in TUBB1 cause disease. This variant is present in population databases (rs773248042, gnomAD 0.006%). This premature translational stop signal has been observed in individual(s) with thrombocytopenia and/or TUBB1-related macrothrombocytopenia (PMID: 28983057, 30446499, 32757236, 34516618). ClinVar contains an entry for this variant (Variation ID: 586966). In summary, the available evidence is currently insufficient to determine the role of this variant in disease. Therefore, it has been classified as a Variant of Uncertain Significance.

GeneDx
Classification: Likely pathogenic. Last evaluated: 2024-11-14. Review status: criteria provided, single submitter. Criteria: GeneDx Variant Classification Process June 2021. Collection method: clinical testing. Allele origin: germline. Affected: yes.
Comment: Frameshift variant predicted to result in protein truncation or nonsense mediated decay in a gene for which loss-of-function is a known mechanism of disease; This variant is associated with the following publications: (PMID: 29333906, 30446499, 31589614, 34662886, 34516618, 32757236, 28983057, 37647632)

Women's Health and Genetics/Laboratory Corporation of America, LabCorp
Classification: Pathogenic for Macrothrombocytopenia, isolated, 1, autosomal dominant. Last evaluated: 2024-02-14. Review status: criteria provided, single submitter. Criteria: LabCorp Variant Classification Summary - May 2015. Collection method: clinical testing. Allele origin: germline.
Comment: Variant summary: TUBB1 c.35delG (p.Cys12LeufsX12) results in a premature termination codon, predicted to cause a truncation of the encoded protein or absence of the protein due to nonsense mediated decay, which are commonly known mechanisms for disease. The variant allele was found at a frequency of 3.2e-05 in 251248 control chromosomes (gnomAD). c.35delG has been reported in the literature in individuals affected with congenital hypothyroidism or inherited platelet disorders (Stoupa_2018, Bastida_2018). These data indicate that the variant may be associated with disease. To our knowledge, no experimental evidence demonstrating an impact on protein function has been reported. The following publications have been ascertained in the context of this evaluation (PMID: 34662886, 28983057, 32757236, 30446499). ClinVar contains an entry for this variant (Variation ID: 586966). Based on the evidence outlined above, the variant was classified as pathogenic.

Blueprint Genetics
Classification: Pathogenic for TUBB1-related disorders. Last evaluated: 2023-07-13. Review status: criteria provided, single submitter. Criteria: ACMG Guidelines, 2015. Collection method: clinical testing. Allele origin: germline. Affected: yes. Observed: 5 variant alleles.

Mendelics
Classification: Uncertain significance for Macrothrombocytopenia, isolated, 1, autosomal dominant. Last evaluated: 2023-04-12. Review status: criteria provided, single submitter. Criteria: Mendelics Assertion Criteria 2019. Collection method: clinical testing. Allele origin: germline.

ISTH-SSC Genomics in Thrombosis and Hemostasis, KU Leuven, Center for Molecular and Vascular Biology
Classification: Pathogenic for Macrothrombocytopenia, isolated, 1, autosomal dominant. Review status: criteria provided, single submitter. Criteria: ACMG Guidelines, 2015. Collection method: clinical testing. Allele origin: germline. Affected: yes. Observed: 4 heterozygotes. Clinical features observed: Macrothrombocytopenia.
Comment: Submitted to GoldVariant by Jose María Bastida and José Rivera; Grupo Español de Alteraciones Plaquetarias Congénitas (GEAPC)

OMIM
Classification: Pathogenic for MACROTHROMBOCYTOPENIA, ISOLATED, 1, AUTOSOMAL DOMINANT. Last evaluated: 2023-10-12. Review status: no assertion criteria provided. Collection method: literature only. Allele origin: germline. Not counted in ClinVar's aggregate classification.

Unidade de Genética Molecular, Centro Hospitalar Universitário do Porto
Classification: Pathogenic for Macrothrombocytopenia, isolated, 1, autosomal dominant. Last evaluated: 2022-07-07. Review status: no assertion criteria provided. Collection method: research. Allele origin: biparental. Inheritance: Autosomal recessive inheritance. Affected: yes. Observed: 1 homozygote. Not counted in ClinVar's aggregate classification.
Comment: Variant identified in homozygosity in two of five affected members in the same family. PVS1, PP5, PP1

Polak associated Lab, IMAGINE Institute
Classification: Pathogenic for Congenital hypothyroidism. Last evaluated: 2016-10-18. Review status: no assertion criteria provided. Collection method: research. Allele origin: germline. Affected: yes. Observed: 11 variant alleles. Not counted in ClinVar's aggregate classification.

Literature cited by the submitters: PubMed 28983057 (cited by 3 submitters); PubMed 30446499 (cited by Labcorp Genetics (formerly Invitae), Labcorp and Women's Health and Genetics/Laboratory Corporation of America, LabCorp); PubMed 32757236 (cited by Labcorp Genetics (formerly Invitae), Labcorp and Women's Health and Genetics/Laboratory Corporation of America, LabCorp); PubMed 34516618 (cited by Labcorp Genetics (formerly Invitae), Labcorp and OMIM); PubMed 34662886 (cited by Women's Health and Genetics/Laboratory Corporation of America, LabCorp).

NM_030773.4(TUBB1):c.35del (p.Cys12fs)

Gene: TUBB1 (tubulin beta 1 class VI; plus strand). Cytogenetic location: 20q13.32.
Variant type: Deletion.
Coding change: c.35del on transcript NM_030773.4 (MANE Select); coding-DNA position 35, one base deleted (G; older notation c.35delG).
Protein change: p.Cys12fs; shifts the reading frame from cysteine 12.
Molecular consequence: frameshift variant.
Genome position (GRCh38, 1-based): chr20:59,019,557, G deleted. VCF-style (leftmost placement, unchanged base first): chr20-59019556-TG-T. GRCh37 (hg19) VCF-style: chr20-57594611-TG-T.
Other names: c.35delG (NM_030773.4); c.35delG, p.Cys12Leufs (NM_030773.3); short protein forms C12fs.
Identifiers: ClinVar variation 586966 (VCV000586966.22), dbSNP rs773248042, ClinGen allele CA9928323.